The following is an entry in ClinVar:

ClinVar aggregate classification (germline): Likely benign. Review status: criteria provided, multiple submitters, no conflicts (2 of 4 stars). 4 submissions from 4 submitters: Likely benign (3). 1 of the submissions does not count toward it. Last evaluated 2025-05-19.

Conditions:
FGB-related disorder. Also called: FGB-related condition.

Allele frequency attached by ClinVar (database versions not stated): gnomAD 0.00001; gnomAD exomes 0.00001; ExAC 0.00002; TOPMed 0.00002.

Submissions (4):

Women's Health and Genetics/Laboratory Corporation of America, LabCorp
Classification: Likely benign. Last evaluated: 2025-05-19. Review status: criteria provided, single submitter. Criteria: LabCorp Variant Classification Summary - May 2015. Collection method: clinical testing. Allele origin: germline.

Blueprint Genetics
Classification: Likely benign. Last evaluated: 2024-02-19. Review status: criteria provided, single submitter. Criteria: ACMG Guidelines, 2015. Collection method: clinical testing. Allele origin: germline.

Labcorp Genetics (formerly Invitae), Labcorp
Classification: Likely benign. Last evaluated: 2023-12-05. Review status: criteria provided, single submitter. Criteria: Invitae Variant Classification Sherloc (09022015). Collection method: clinical testing. Allele origin: germline.

PreventionGenetics, part of Exact Sciences
Classification: Likely benign for FGB-related condition. Last evaluated: 2019-02-22. Review status: no assertion criteria provided. Collection method: clinical testing. Allele origin: germline. Not counted in ClinVar's aggregate classification.
Comment: This variant is classified as likely benign based on ACMG/AMP sequence variant interpretation guidelines (Richards et al. 2015 PMID: 25741868, with internal and published modifications).

NM_005141.5(FGB):c.460C>T (p.Leu154=)

Gene: FGB (fibrinogen beta chain; plus strand). Cytogenetic location: 4q31.3.
Variant type: single nucleotide variant.
Coding change: c.460C>T on transcript NM_005141.5 (MANE Select); coding-DNA position 460, C replaced by T.
Protein change: p.Leu154=; no amino-acid change (leucine 154 retained).
Molecular consequence: synonymous variant.
Genome position (GRCh38, 1-based): chr4:154,566,642, C>T. VCF-style: chr4-154566642-C-T. GRCh37 (hg19) VCF-style: chr4-155487794-C-T.
Other names: c.283C>T, p.Leu95= (NM_001184741.1); c.328C>T, p.Leu110= (NM_001382759.1); c.460C>T, p.Leu154= (NM_001382760.1, NM_001382761.1, NM_001382762.1 and 3 more transcripts).
Identifiers: ClinVar variation 2713622 (VCV002713622.7), dbSNP rs764952511, ClinGen allele CA3114528.